The following is an entry in ClinVar:

NM_000036.3(AMPD1):c.1687G>C (p.Gly563Arg)

Gene: AMPD1 (adenosine monophosphate deaminase 1; minus strand). Cytogenetic location: 1p13.2.
Variant type: single nucleotide variant.
Coding change: c.1687G>C on transcript NM_000036.3 (MANE Select); coding-DNA position 1687, G replaced by C.
Protein change: p.Gly563Arg; replaces glycine 563 with arginine.
Molecular consequence: missense variant.
Genome position (GRCh38, 1-based): chr1:114,674,865, C>G on the plus strand (G>C on the coding strand, the complement: AMPD1 is on the minus strand). VCF-style: chr1-114674865-C-G. GRCh37 (hg19) VCF-style: chr1-115217486-C-G.
Other names: c.1675G>C, p.Gly559Arg (NM_001172626.2); short protein forms G563R, G559R.
Identifiers: ClinVar variation 1427213 (VCV001427213.6), dbSNP rs370481249, ClinGen allele CA1020040.

ClinVar aggregate classification (germline): Uncertain significance (1 of 4 stars; one submission).

Conditions:
Muscle AMP deaminase deficiency (MMDD). Also called: AMPD1 DEFICIENCY; ADENOSINE MONOPHOSPHATE DEAMINASE-1 DEFICIENCY, MYOPATHY DUE TO; Myoadenylate deaminase deficiency, myopathy due to; Adenosine monophosphate deaminase 1 deficiency; AMP deaminase 1 deficiency; Adenosine Monophosphate Deaminase 1. Identifiers: Orphanet 45, MedGen C3714933, MONDO:0014220, OMIM 615511.

Allele frequency attached by ClinVar (database versions not stated): gnomAD exomes 0.00001; ExAC 0.00002; TOPMed 0.00002; gnomAD 0.00003; ESP Exome Variant Server 0.00008.
gnomAD v4.1: 15 of 1,614,002 alleles (0.00093%); highest among the groups gnomAD compares: African/African-American, 0.0013%; no homozygotes.

Submission:

Labcorp Genetics (formerly Invitae), Labcorp
Classification: Uncertain significance for Muscle AMP deaminase deficiency. Last evaluated: 2023-03-21. Review status: criteria provided, single submitter. Criteria: Invitae Variant Classification Sherloc (09022015). Collection method: clinical testing. Allele origin: germline.
Comment: This sequence change replaces glycine, which is neutral and non-polar, with arginine, which is basic and polar, at codon 596 of the AMPD1 protein (p.Gly596Arg). This variant is present in population databases (rs370481249, gnomAD 0.003%). This variant has not been reported in the literature in individuals affected with AMPD1-related conditions. ClinVar contains an entry for this variant (Variation ID: 1427213). An algorithm developed to predict the effect of missense changes on protein structure and function (PolyPhen-2) suggests that this variant is likely to be tolerated. In summary, the available evidence is currently insufficient to determine the role of this variant in disease. Therefore, it has been classified as a Variant of Uncertain Significance.